The following is an entry in ClinVar:

NM_000054.7(AVPR2):c.734G>C (p.Gly245Ala)

Gene: AVPR2 (arginine vasopressin receptor 2; plus strand). Cytogenetic location: Xq28.
Variant type: single nucleotide variant.
Coding change: c.734G>C on transcript NM_000054.7 (MANE Select); coding-DNA position 734, G replaced by C.
Protein change: p.Gly245Ala; replaces glycine 245 with alanine.
Molecular consequence: missense variant. On other transcripts: non-coding transcript variant (1).
Genome position (GRCh38, 1-based): chrX:153,906,240, G>C. VCF-style: chrX-153906240-G-C. GRCh37 (hg19) VCF-style: chrX-153171694-G-C.
Other names: c.734G>C, p.Gly245Ala (NM_001146151.3); short protein forms G245A.
Identifiers: ClinVar variation 914117 (VCV000914117.7), dbSNP rs146892293, ClinGen allele CA10555053.
Genomic context (GRCh38, chrX:153,906,240, plus strand): 5'-AGGTGCTCATCTTCCGGGAGATTCATGCCAGTCTGGTGCCAGGGCCATCAGAGAGGCCTG[G>C]GGGGCGCCGCAGGGGACGCCGGACAGGCAGCCCCGGTGAGGGAGCCCACGTGTCAGCAGC-3'
Protein context (NP_000045.1, residues 235-255): SLVPGPSERP[Gly245Ala]GRRRGRRTGS

ClinVar aggregate classification (germline): Conflicting classifications of pathogenicity. Review status: criteria provided, conflicting classifications (1 of 4 stars). 3 submissions from 3 submitters: Uncertain significance (1); Likely benign (2). Last evaluated 2025-12-16.

Conditions:
Inborn genetic diseases. Identifiers: MedGen C0950123, MeSH D030342.
Diabetes insipidus, nephrogenic, X-linked. Also called: Nephrogenic Diabetes Insipidus, Type I. Identifiers: Orphanet 223, MedGen C1563705, MONDO:0010581, OMIM 304800.

Allele frequency attached by ClinVar (database versions not stated): ExAC 0.00007; gnomAD exomes 0.00007 and 0.00010; gnomAD 0.00010 and 0.00012; TOPMed 0.00011; ESP Exome Variant Server 0.00019.

Submissions (3):

Ambry Genetics
Classification: Likely benign for Inborn genetic diseases. Last evaluated: 2025-12-16. Review status: criteria provided, single submitter. Criteria: Ambry Variant Classification Scheme 2023. Collection method: clinical testing. Allele origin: germline.

Labcorp Genetics (formerly Invitae), Labcorp
Classification: Uncertain significance. Last evaluated: 2024-04-30. Review status: criteria provided, single submitter. Criteria: Invitae Variant Classification Sherloc (09022015). Collection method: clinical testing. Allele origin: germline.
Comment: This sequence change replaces glycine, which is neutral and non-polar, with alanine, which is neutral and non-polar, at codon 245 of the AVPR2 protein (p.Gly245Ala). This variant is present in population databases (rs146892293, gnomAD 0.02%). This variant has not been reported in the literature in individuals affected with AVPR2-related conditions. ClinVar contains an entry for this variant (Variation ID: 914117). Advanced modeling of protein sequence and biophysical properties (such as structural, functional, and spatial information, amino acid conservation, physicochemical variation, residue mobility, and thermodynamic stability) performed at Invitae indicates that this missense variant is not expected to disrupt AVPR2 protein function with a negative predictive value of 80%. In summary, the available evidence is currently insufficient to determine the role of this variant in disease. Therefore, it has been classified as a Variant of Uncertain Significance.

Illumina Laboratory Services, Illumina
Classification: Likely benign for Diabetes insipidus, nephrogenic, X-linked. Last evaluated: 2018-01-12. Review status: criteria provided, single submitter. Criteria: ICSL Variant Classification Criteria 13 December 2019. Collection method: clinical testing. Allele origin: germline.
Comment: This variant was observed in the ICSL laboratory as part of a predisposition screen in an ostensibly healthy population. It had not been previously curated by ICSL or reported in the Human Gene Mutation Database (HGMD: prior to June 1st, 2018), and was therefore a candidate for classification through an automated scoring system. Utilizing variant allele frequency, disease prevalence and penetrance estimates, and inheritance mode, an automated score was calculated to assess if this variant is too frequent to cause the disease. Based on the score and internal cut-off values, a variant classified as likely benign is not then subjected to further curation. The score for this variant resulted in a classification of likely benign for this disease.